The following is an entry in ClinVar:

ClinVar aggregate classification (germline): Uncertain significance. Review status: criteria provided, multiple submitters, no conflicts (2 of 4 stars). 2 submissions from 2 submitters: Uncertain significance (2). Last evaluated 2023-07-29.

Conditions:
SLC39A8-CDG. Also called: CONGENITAL DISORDER OF GLYCOSYLATION, TYPE IIn; CDG IIn; SLC39A8 deficiency. Identifiers: Orphanet 468699, MedGen C4225234, MONDO:0014746, OMIM 616721.

Submissions (2):

Revvity Omics, Revvity
Classification: Uncertain significance for SLC39A8-CDG. Last evaluated: 2023-07-29. Review status: criteria provided, single submitter. Criteria: ACMG Guidelines, 2015. Collection method: clinical testing. Allele origin: germline.

GeneDx
Classification: Uncertain significance. Last evaluated: 2017-06-15. Review status: criteria provided, single submitter. Criteria: GeneDx Variant Classification (06012015). Collection method: clinical testing. Allele origin: germline. Affected: yes.
Comment: The c.1097dupT variant in the SLC39A8 gene has not been reported previously as a pathogenic variant nor as a benign variant, to our knowledge. The c.1097dupT variant causes a frameshift starting with codon Leucine 366, changes this amino acid to a Phenylalanine residue, and creates a premature Stop codon at position 52 of the new reading frame, denoted p.Leu366PhefsX52. This variant is predicted to cause loss of normal protein function through protein truncation. The c.1097dupT variant is not observed in large population cohorts (Lek et al., 2016; 1000 Genomes Consortium et al., 2015; Exome Variant Server). We interpret c.1097dupT as a variant of uncertain significance.

NM_001135146.2(SLC39A8):c.1097dup (p.Leu366fs)

Genes: SLC39A8 (solute carrier family 39 member 8; minus strand), LOC126807125 (MED14-independent group 3 enhancer GRCh37_chr4:103188587-103189786; plus strand). Cytogenetic location: 4q24.
Variant type: Duplication.
Coding change: c.1097dup on transcript NM_001135146.2 (MANE Select); coding-DNA position 1097, one base duplicated (T; older notation c.1097dupT).
Protein change: p.Leu366fs; shifts the reading frame from leucine 366.
Molecular consequence: frameshift variant.
Genome position (GRCh38, 1-based): chr4:102,267,626, A duplicated on the plus strand (T on the coding strand, the reverse complement: SLC39A8 is on the minus strand); the first of 2 consecutive A bases (chr4:102,267,626-102,267,627); duplicating either gives the same sequence. VCF-style (leftmost placement, unchanged base first): chr4-102267625-C-CA. GRCh37 (hg19) VCF-style: chr4-103188782-C-CA.
Other names: c.1097dup, p.Leu366fs (NM_001135147.1, NM_022154.5); c.896dup, p.Leu299fs (NM_001135148.2); c.1097dupT (NM_022154.5); short protein forms L366fs, L299fs.
Identifiers: ClinVar variation 432927 (VCV000432927.5), dbSNP rs1553911693, ClinGen allele CA645372756.